The following is an entry in ClinVar:

ClinVar aggregate classification (germline): Uncertain significance. Review status: criteria provided, multiple submitters, no conflicts (2 of 4 stars). 10 submissions from 10 submitters: Uncertain significance (8). 2 of the submissions do not count toward it. Last evaluated 2026-08-06.

Conditions:
PLA2G6-associated neurodegeneration (PLAN). Also called: phospholipase A2-associated neurodegeneration. Identifiers: Orphanet 329303, MedGen CN204472, MONDO:0017998.
Infantile neuroaxonal dystrophy (NBIA2A). Also called: SEITELBERGER DISEASE; NEURODEGENERATION WITH BRAIN IRON ACCUMULATION 2A; Infantile neuroaxonal dystrophy 1. Identifiers: Orphanet 35069, MedGen C0270724, MONDO:0024457, OMIM 256600.
Autosomal recessive Parkinson disease 14. Also called: DYSTONIA-PARKINSONISM, ADULT-ONSET; PARKINSON DISEASE 14. Identifiers: Orphanet 199351, MedGen C2751842, MONDO:0013060, OMIM 612953.
Iron accumulation in brain. Identifiers: MedGen C4021076, HP:0012675.

Allele frequency attached by ClinVar (database versions not stated): gnomAD 0.00041 and 0.00038; gnomAD exomes 0.00041 and 0.00052; 1000 Genomes Project 30x 0.00016; 1000 Genomes Project 0.00020; TOPMed 0.00039; ExAC 0.00053; ESP Exome Variant Server 0.00062.
gnomAD v4.1: 804 of 1,613,914 alleles (0.05%); highest among the groups gnomAD compares: Non-Finnish European, 0.065%; no homozygotes.

Submissions (10):

OLLIN Analises Genomicas, OLLIN
Classification: Uncertain significance for Autosomal recessive Parkinson disease 14. Last evaluated: 2026-08-06. Review status: criteria provided, single submitter. Criteria: ACMG Guidelines 2015 PMID 25741868. Collection method: clinical testing. Allele origin: germline. Inheritance: Autosomal recessive inheritance.
Comment: This missense variant, located in exon 15 (of 17), has been reported in ClinVar (accession VCV000159754.64) and in gnomAD with an allele frequency of 0.05%. However, to our knowledge, it has not been reported in the scientific literature. In silico analysis is inconclusive regarding the impact of this variant. According to the currently available evidence, this variant has been classified as uncertain significance (PM2_P).

GeneDx
Classification: Uncertain significance. Last evaluated: 2025-09-03. Review status: criteria provided, single submitter. Criteria: GeneDx Variant Classification Process June 2021. Collection method: clinical testing. Allele origin: germline. Affected: yes.
Comment: In silico analysis suggests that this missense variant does not alter protein structure/function; Has not been previously published as pathogenic or benign to our knowledge

Labcorp Genetics (formerly Invitae), Labcorp
Classification: Uncertain significance for Infantile neuroaxonal dystrophy. Last evaluated: 2024-01-29. Review status: criteria provided, single submitter. Criteria: Invitae Variant Classification Sherloc (09022015). Collection method: clinical testing. Allele origin: germline.
Comment: This sequence change replaces valine, which is neutral and non-polar, with isoleucine, which is neutral and non-polar, at codon 690 of the PLA2G6 protein (p.Val690Ile). This variant is present in population databases (rs141777179, gnomAD 0.1%), and has an allele count higher than expected for a pathogenic variant. This variant has not been reported in the literature in individuals affected with PLA2G6-related conditions. ClinVar contains an entry for this variant (Variation ID: 159754). Advanced modeling of protein sequence and biophysical properties (such as structural, functional, and spatial information, amino acid conservation, physicochemical variation, residue mobility, and thermodynamic stability) performed at Invitae indicates that this missense variant is not expected to disrupt PLA2G6 protein function with a negative predictive value of 80%. In summary, the available evidence is currently insufficient to determine the role of this variant in disease. Therefore, it has been classified as a Variant of Uncertain Significance.

CeGaT Center for Human Genetics Tuebingen
Classification: Uncertain significance. Last evaluated: 2023-11-01. Review status: criteria provided, single submitter. Criteria: CeGaT Center For Human Genetics Tuebingen Variant Classification Criteria Version 2. Collection method: clinical testing. Allele origin: germline. Affected: yes. Observed: 3 variant alleles.

Mayo Clinic Laboratories, Mayo Clinic
Classification: Uncertain significance. Last evaluated: 2023-09-21. Review status: criteria provided, single submitter. Criteria: ACMG Guidelines, 2015. Collection method: clinical testing. Allele origin: germline. Observed: 4 variant alleles.

Victorian Clinical Genetics Services, Murdoch Childrens Research Institute
Classification: Uncertain significance for Infantile neuroaxonal dystrophy. Last evaluated: 2023-07-17. Review status: criteria provided, single submitter. Criteria: ACMG Guidelines, 2015. Collection method: clinical testing. Allele origin: germline. Inheritance: Autosomal recessive inheritance.
Comment: Based on the classification scheme VCGS_Germline_v1.3.4, this variant is classified as VUS-3B. Following criteria are met: 0103 - Loss of function and gain of function are known mechanisms of disease in this gene and are associated with infantile neuroaxonal dystrophy 1 (INAD; MIM#256600), neurodegeneration with brain iron accumulation 2B (NBIA; MIM#610217) and Parkinson disease 14 (MIM#612953). Variants with a loss of function effect result in INAD and NBIA, while missense variants resulting in increased enzyme activity cause Parkinson disease (PMID: 20886109, PMID: 29108286). (I) 0106 - This gene is associated with autosomal recessive disease. (I) 0200 - Variant is predicted to result in a missense amino acid change from valine to isoleucine. (I) 0251 - This variant is heterozygous. (I) 0304 - Variant is present in gnomAD (v2) <0.01 for a recessive condition (135 heterozygotes, 0 homozygotes). (SP) 0504 - Same amino acid change has been observed in a placental mammal. (I) 0604 - Variant is not located in an established domain, motif, hotspot or informative constraint region. (I) 0705 - No comparable missense variants have previous evidence for pathogenicity. However, the inframe deletion (p.Val691del) of one of two adjacent valine residues (p.Val690-p.Val691) has been reported many times as pathogenic, and was observed in several homozygous individuals with glial mitochondropathy or severe leukodystrophy with additional features (ClinVar, PMID: 27848944, PMID: 27497490). (I) 0809 - Previous evidence of pathogenicity for this variant is inconclusive. This variant has been consistently reported as a VUS (LOVD, ClinVar), and was observed in a cohort of individuals with Parkinson disease (PMID: 32870915). (I) 0905 - No published segregation evidence has been identified for this variant. (I) 1007 - No published functional evidence has been identified for this variant. (I) 1208 - Inheritance information for this variant is not currently available in this individual. (I) Legend: (SP) - Supporting pathogenic, (I) - Information, (SB) - Supporting benign

Illumina Laboratory Services, Illumina
Classification: Uncertain significance for PLA2G6-associated neurodegeneration. Last evaluated: 2018-01-13. Review status: criteria provided, single submitter. Criteria: ICSL Variant Classification Criteria 13 December 2019. Collection method: clinical testing. Allele origin: germline.

Genetic Services Laboratory, University of Chicago
Classification: Uncertain significance for iron accumulation in brain. Last evaluated: 2013-02-08. Review status: criteria provided, single submitter. Criteria: ACMG Guidelines, 2007. Collection method: clinical testing. Allele origin: germline. Inheritance: Autosomal recessive inheritance.

Clinical Genetics DNA and cytogenetics Diagnostics Lab, Erasmus MC, Erasmus Medical Center
Classification: Uncertain significance. Review status: no assertion criteria provided. Collection method: clinical testing. Allele origin: germline. Affected: yes. Study: VKGL Data-share Consensus. Not counted in ClinVar's aggregate classification.

Clinical Genetics, Academic Medical Center
Classification: Uncertain significance. Review status: no assertion criteria provided. Collection method: clinical testing. Allele origin: germline. Affected: yes. Study: VKGL Data-share Consensus. Not counted in ClinVar's aggregate classification.

Literature cited by the submitters: PubMed 20886109 (cited by Victorian Clinical Genetics Services, Murdoch Childrens Research Institute); PubMed 27497490 (cited by Victorian Clinical Genetics Services, Murdoch Childrens Research Institute); PubMed 27848944 (cited by Victorian Clinical Genetics Services, Murdoch Childrens Research Institute); PubMed 29108286 (cited by Victorian Clinical Genetics Services, Murdoch Childrens Research Institute); PubMed 32870915 (cited by Victorian Clinical Genetics Services, Murdoch Childrens Research Institute).

NM_003560.4(PLA2G6):c.2068G>A (p.Val690Ile)

Gene: PLA2G6 (phospholipase A2 group VI; minus strand). Cytogenetic location: 22q13.1.
Variant type: single nucleotide variant.
Coding change: c.2068G>A on transcript NM_003560.4 (MANE Select); coding-DNA position 2068, G replaced by A.
Protein change: p.Val690Ile; replaces valine 690 with isoleucine.
Molecular consequence: missense variant.
Genome position (GRCh38, 1-based): chr22:38,113,621, C>T on the plus strand (G>A on the coding strand, the complement: PLA2G6 is on the minus strand). VCF-style: chr22-38113621-C-T. GRCh37 (hg19) VCF-style: chr22-38509628-C-T.
Other names: c.2068G>A, p.Val690Ile (NM_001349864.2); c.1906G>A, p.Val636Ile (NM_001349865.2, NM_001349866.2, NM_001004426.3 and 1 more transcripts); c.1534G>A, p.Val512Ile (NM_001349867.2); c.1390G>A, p.Val464Ile (NM_001349868.2); c.1372G>A, p.Val458Ile (NM_001349869.2); short protein forms V690I, V512I, V636I, V464I, V458I.
Identifiers: ClinVar variation 159754 (VCV000159754.66), dbSNP rs141777179, ClinGen allele CA173245.